The following is an entry in ClinVar:

ClinVar aggregate classification (germline): Pathogenic (1 of 4 stars; one submission).

Conditions:
Glaucoma 1, open angle, E. Identifiers: MedGen C1842026, MONDO:0007665.
Primary open angle glaucoma (POAG). Also called: OPTN-related open angle glaucoma. Identifiers: MedGen C0339573, MONDO:0100553, OMIM 137760.
Amyotrophic lateral sclerosis type 12 (ALS12). Also called: AMYOTROPHIC LATERAL SCLEROSIS 12 WITH OR WITHOUT FRONTOTEMPORAL DEMENTIA. Identifiers: Orphanet 803, MedGen C3150692, MONDO:0013264, OMIM 613435.

Submission:

Labcorp Genetics (formerly Invitae), Labcorp
Classification: Pathogenic for Primary open angle glaucoma; Glaucoma 1, open angle, E; Amyotrophic lateral sclerosis type 12. Last evaluated: 2023-12-26. Review status: criteria provided, single submitter. Criteria: Invitae Variant Classification Sherloc (09022015). Collection method: clinical testing. Allele origin: germline.
Comment: This variant is a gross deletion of the genomic region encompassing exon(s) 5 of the OPTN gene. This deletion is out-of-frame, and is expected to create a premature termination codon and result in an absent or disrupted protein product. Loss-of-function variants in OPTN are known to be pathogenic (PMID: 20428114). A similar copy number variant has been observed in individual(s) with amyotrophic lateral sclerosis (PMID: 20428114). It has also been observed to segregate with disease in related individuals. For these reasons, this variant has been classified as Pathogenic.

Literature cited by the submitters: PubMed 20428114.

NC_000010.10:g.(?_13158247)_(13158360_?)del

Gene: OPTN (optineurin; plus strand). Cytogenetic location: 10p13.
Variant type: Deletion.
Identifiers: ClinVar variation 1459219 (VCV001459219.7).